The following is an entry in ClinVar:

NM_000540.3(RYR1):c.1640T>C (p.Val547Ala)

Gene: RYR1 (ryanodine receptor 1; plus strand). Cytogenetic location: 19q13.2.
Variant type: single nucleotide variant.
Coding change: c.1640T>C on transcript NM_000540.3 (MANE Select); coding-DNA position 1640, T replaced by C.
Protein change: p.Val547Ala; replaces valine 547 with alanine.
Molecular consequence: missense variant.
Genome position (GRCh38, 1-based): chr19:38,455,514, T>C. VCF-style: chr19-38455514-T-C. GRCh37 (hg19) VCF-style: chr19-38946154-T-C.
Other names: c.1640T>C, p.Val547Ala (NM_001042723.2); short protein forms V547A.
Identifiers: ClinVar variation 2630746 (VCV002630746.1), dbSNP rs771804045, ClinGen allele CA405690255.

ClinVar aggregate classification (germline): Uncertain significance (1 of 4 stars; one submission).

Conditions:
RYR1-related disorder. Also called: RYR1-related condition; RYR1-related disorders. Identifiers: MedGen CN239331.

Submission:

PreventionGenetics, part of Exact Sciences
Classification: Uncertain significance for RYR1-related condition. Last evaluated: 2023-08-23. Review status: criteria provided, single submitter. Criteria: ACMG Guidelines, 2015. Collection method: clinical testing. Allele origin: germline.
Comment: The RYR1 c.1640T>C variant is predicted to result in the amino acid substitution p.Val547Ala. To our knowledge, this variant has not been reported in the literature or in a large population database, indicating this variant is rare. At this time, the clinical significance of this variant is uncertain due to the absence of conclusive functional and genetic evidence.